The following is an entry in ClinVar:

NM_004656.4(BAP1):c.358A>G (p.Lys120Glu)

Gene: BAP1 (BRCA1 associated deubiquitinase 1; minus strand). Cytogenetic location: 3p21.1.
Variant type: single nucleotide variant.
Coding change: c.358A>G on transcript NM_004656.4 (MANE Select); coding-DNA position 358, A replaced by G.
Protein change: p.Lys120Glu; replaces lysine 120 with glutamic acid.
Molecular consequence: missense variant.
Genome position (GRCh38, 1-based): chr3:52,407,975, T>C on the plus strand (A>G on the coding strand, the complement: BAP1 is on the minus strand). VCF-style: chr3-52407975-T-C. GRCh37 (hg19) VCF-style: chr3-52441991-T-C.
Other names: c.358A>G (LRG_529t1); short protein forms K120E.
Identifiers: ClinVar variation 489634 (VCV000489634.22), dbSNP rs774573926, ClinGen allele CA2437119.

ClinVar aggregate classification (germline): Conflicting classifications of pathogenicity. Review status: criteria provided, conflicting classifications (1 of 4 stars). 7 submissions from 7 submitters: Uncertain significance (5); Likely benign (2). Last evaluated 2026-01-06.

Conditions:
BAP1-related disorder. Also called: BAP1-related condition.
Hereditary cancer-predisposing syndrome. Also called: Neoplastic Syndromes, Hereditary; Hereditary Cancer Syndrome; Tumor predisposition; Hereditary neoplastic syndrome. Identifiers: Orphanet 140162, MedGen C0027672, MeSH D009386, MONDO:0015356.
BAP1-related tumor predisposition syndrome (TPDS1). Also called: Tumor susceptibility linked to germline BAP1 mutations; COMMON Syndrome; BAP1 tumor predisposition syndrome; TUMOR PREDISPOSITION SYNDROME 1. Identifiers: Orphanet 289539, MedGen C3280492, MONDO:0013692, OMIM 614327.

Allele frequency attached by ClinVar (database versions not stated): TOPMed 0.00001; gnomAD exomes 0.00002 and 0.00003; ExAC 0.00004.
gnomAD v4.1: 43 of 1,613,926 alleles (0.0027%); highest among the groups gnomAD compares: Non-Finnish European, 0.0034%; no homozygotes.

Submissions (7):

PreventionGenetics, part of Exact Sciences
Classification: Uncertain significance for BAP1-related condition. Last evaluated: 2026-01-06. Review status: criteria provided, single submitter. Criteria: ACMG Guidelines, 2015. Collection method: clinical testing. Allele origin: germline.
Comment: The BAP1 c.358A>G variant is predicted to result in the amino acid substitution p.Lys120Glu. This variant was reported as a germline variant in an individual with melanoma (O'Shea et al. 2017. PubMed ID: 28062663) and in an individual with breast cancer (Table S4, Sandoval et al. 2021. PubMed ID: 33606809). Saturation genome editing showed this variant had no negative impact (Waters et al. 2024. PubMed ID: 38969833). This variant is reported in 0.0062% of alleles in individuals of African descent in gnomAD and has conflicting interpretations in ClinVar ranging from likely benign to uncertain (Variation ID: 489634). Although we suspect this variant may be benign, at this time, the clinical significance of this variant is uncertain due to the absence of conclusive functional and genetic evidence.

Labcorp Genetics (formerly Invitae), Labcorp
Classification: Uncertain significance for BAP1-related tumor predisposition syndrome. Last evaluated: 2025-10-13. Review status: criteria provided, single submitter. Criteria: Invitae Variant Classification Sherloc (09022015). Collection method: clinical testing. Allele origin: germline.
Comment: This sequence change replaces lysine, which is basic and polar, with glutamic acid, which is acidic and polar, at codon 120 of the BAP1 protein (p.Lys120Glu). This variant is present in population databases (rs774573926, gnomAD 0.007%). This missense change has been observed in individual(s) with melanoma (PMID: 28062663). ClinVar contains an entry for this variant (Variation ID: 489634). Invitae Evidence Modeling of protein sequence and biophysical properties (such as structural, functional, and spatial information, amino acid conservation, physicochemical variation, residue mobility, and thermodynamic stability) has been performed for this missense variant. However, the output from this modeling did not meet the statistical confidence thresholds required to predict the impact of this variant on BAP1 protein function. In summary, the available evidence is currently insufficient to determine the role of this variant in disease. Therefore, it has been classified as a Variant of Uncertain Significance.

Ambry Genetics
Classification: Likely benign for Hereditary cancer-predisposing syndrome. Last evaluated: 2024-10-02. Review status: criteria provided, single submitter. Criteria: Ambry Variant Classification Scheme 2023. Collection method: clinical testing. Allele origin: germline.

Myriad Genetics, Inc.
Classification: Likely benign for BAP1-related tumor predisposition syndrome. Last evaluated: 2024-07-12. Review status: criteria provided, single submitter. Criteria: Myriad Autosomal Dominant, Autosomal Recessive and X-Linked Classification Criteria (2023). Collection method: clinical testing. Allele origin: unknown.
Comment: This variant is considered likely benign. This variant has been observed at a population frequency that is significantly greater than expected given the associated disease prevalence and penetrance.

Color Diagnostics, LLC DBA Color Health
Classification: Uncertain significance for Hereditary cancer-predisposing syndrome. Last evaluated: 2024-05-13. Review status: criteria provided, single submitter. Criteria: ACMG Guidelines, 2015. Collection method: clinical testing. Allele origin: germline.
Comment: This missense variant replaces lysine with glutamic acid at codon 120 of the BAP1 protein. Computational prediction suggests that this variant may not impact protein structure and function. To our knowledge, functional studies have not been reported for this variant. This variant has been reported in an individual affected with melanoma (PMID: 28062663). This variant has been identified in 5/251174 chromosomes in the general population by the Genome Aggregation Database (gnomAD). The available evidence is insufficient to determine the role of this variant in disease conclusively. Therefore, this variant is classified as a Variant of Uncertain Significance.

GeneDx
Classification: Uncertain significance. Last evaluated: 2024-01-09. Review status: criteria provided, single submitter. Criteria: GeneDx Variant Classification Process June 2021. Collection method: clinical testing. Allele origin: germline. Affected: yes.
Comment: Not observed at significant frequency in large population cohorts (gnomAD); In silico analysis supports that this missense variant does not alter protein structure/function; This variant is associated with the following publications: (PMID: 28062663, 31921681, 33606809)

Baylor Genetics
Classification: Uncertain significance for BAP1-related tumor predisposition syndrome. Last evaluated: 2023-09-25. Review status: criteria provided, single submitter. Criteria: ACMG Guidelines, 2015. Collection method: clinical testing. Allele origin: unknown.

Literature cited by the submitters: PubMed 28062663 (cited by 3 submitters); PubMed 31921681 (cited by Ambry Genetics); PubMed 33606809 (cited by Ambry Genetics); PubMed 38969833 (cited by Ambry Genetics).